The following is an entry in ClinVar:

ClinVar aggregate classification (germline): Pathogenic (1 of 4 stars; one submission).

Conditions:
Developmental and epileptic encephalopathy. Identifiers: MedGen C5779964, MONDO:0100620.

Submission:

Labcorp Genetics (formerly Invitae), Labcorp
Classification: Pathogenic for Early-infantile DEE. Last evaluated: 2022-10-17. Review status: criteria provided, single submitter. Criteria: Invitae Variant Classification Sherloc (09022015). Collection method: clinical testing. Allele origin: germline.
Comment: For these reasons, this variant has been classified as Pathogenic. This variant has not been reported in the literature in individuals affected with SCN1A-related conditions. This variant is a gross deletion of the genomic region encompassing exon(s) 3-5 of the SCN1A gene. This deletion is out-of-frame, and is expected to create a premature termination codon and result in an absent or disrupted protein product. Loss-of-function variants in SCN1A are known to be pathogenic (PMID: 17347258, 18930999).

Literature cited by the submitters: PubMed 17347258; PubMed 18930999.

NC_000002.11:g.(?_166909342)_(166913030_?)del

Gene: SCN1A (sodium voltage-gated channel alpha subunit 1; minus strand). Cytogenetic location: 2q24.3.
Variant type: Deletion.
Identifiers: ClinVar variation 2423910 (VCV002423910.4).